The following is an entry in ClinVar:

ClinVar aggregate classification (germline): Uncertain significance. Review status: criteria provided, multiple submitters, no conflicts (2 of 4 stars). 4 submissions from 4 submitters: Uncertain significance (4). Last evaluated 2025-01-27.

Conditions:
Vitamin D-dependent rickets type II with alopecia (VDDR2A). Also called: GENERALIZED RESISTANCE TO 1,25-DIHYDROXYVITAMIN D; HYPOCALCEMIC VITAMIN D-RESISTANT RICKETS; PDDR IIA; PSEUDOVITAMIN D-DEFICIENCY, TYPE IIA; RICKETS, HEREDITARY VITAMIN D-RESISTANT; RICKETS-ALOPECIA SYNDROME. Identifiers: Orphanet 93160, MedGen C0342646, MONDO:0010186, OMIM 277440.

Allele frequency attached by ClinVar (database versions not stated): gnomAD 0.00001; gnomAD exomes 0.00001 and 0.00002; ExAC 0.00002; TOPMed 0.00003.
gnomAD v4.1: 16 of 1,614,046 alleles (0.00099%); highest among the groups gnomAD compares: South Asian, 0.0022%; no homozygotes.

Submissions (4):

Labcorp Genetics (formerly Invitae), Labcorp
Classification: Uncertain significance. Last evaluated: 2025-01-27. Review status: criteria provided, single submitter. Criteria: Invitae Variant Classification Sherloc (09022015). Collection method: clinical testing. Allele origin: germline.
Comment: This sequence change replaces arginine, which is basic and polar, with glutamine, which is neutral and polar, at codon 104 of the VDR protein (p.Arg104Gln). This variant is present in population databases (rs749763626, gnomAD 0.003%). This variant has not been reported in the literature in individuals affected with VDR-related conditions. ClinVar contains an entry for this variant (Variation ID: 880996). Invitae Evidence Modeling of protein sequence and biophysical properties (such as structural, functional, and spatial information, amino acid conservation, physicochemical variation, residue mobility, and thermodynamic stability) indicates that this missense variant is not expected to disrupt VDR protein function with a negative predictive value of 80%. In summary, the available evidence is currently insufficient to determine the role of this variant in disease. Therefore, it has been classified as a Variant of Uncertain Significance.

Mayo Clinic Laboratories, Mayo Clinic
Classification: Uncertain significance. Last evaluated: 2023-04-10. Review status: criteria provided, single submitter. Criteria: ACMG Guidelines, 2015. Collection method: clinical testing. Allele origin: germline. Observed: 1 variant allele.

Fulgent Genetics
Classification: Uncertain significance for Vitamin D-dependent rickets type II with alopecia. Last evaluated: 2022-03-02. Review status: criteria provided, single submitter. Criteria: ACMG Guidelines, 2015. Collection method: clinical testing. Allele origin: unknown.

Illumina Laboratory Services, Illumina
Classification: Uncertain significance for Vitamin D-dependent rickets type II with alopecia. Last evaluated: 2018-01-13. Review status: criteria provided, single submitter. Criteria: ICSL Variant Classification Criteria 13 December 2019. Collection method: clinical testing. Allele origin: germline.

NM_000376.3(VDR):c.311G>A (p.Arg104Gln)

Gene: VDR (vitamin D receptor; minus strand). Cytogenetic location: 12q13.11.
Variant type: single nucleotide variant.
Coding change: c.311G>A on transcript NM_000376.3 (MANE Select); coding-DNA position 311, G replaced by A.
Protein change: p.Arg104Gln; replaces arginine 104 with glutamine.
Molecular consequence: missense variant.
Genome position (GRCh38, 1-based): chr12:47,857,655, C>T on the plus strand (G>A on the coding strand, the complement: VDR is on the minus strand). VCF-style: chr12-47857655-C-T. GRCh37 (hg19) VCF-style: chr12-48251438-C-T.
Other names: p.Arg104Gln; c.311G>A, p.Arg104Gln (NM_001017535.2, NM_001364085.2, NM_001374661.1 and 1 more transcripts); c.461G>A, p.Arg154Gln (NM_001017536.2); short protein forms R104Q, R154Q.
Identifiers: ClinVar variation 880996 (VCV000880996.9), dbSNP rs749763626, ClinGen allele CA6533968.